The following is an entry in ClinVar:

NM_004618.5(TOP3A):c.1282-3del

Gene: TOP3A (DNA topoisomerase III alpha; minus strand). Cytogenetic location: 17p11.2.
Variant type: Deletion.
Coding change: c.1282-3del on transcript NM_004618.5 (MANE Select); 3 bases into the intron before coding-DNA position 1282, one base deleted (T; older notation c.1282-3delT).
Molecular consequence: intron variant.
Genome position (GRCh38, 1-based): chr17:18,291,030, A deleted on the plus strand (T on the coding strand, the reverse complement: TOP3A is on the minus strand). VCF-style (leftmost placement, unchanged base first): chr17-18291029-TA-T. GRCh37 (hg19) VCF-style: chr17-18194343-TA-T.
Other names: c.997-3del (NM_001320759.2).
Identifiers: ClinVar variation 2120740 (VCV002120740.4), dbSNP rs760309028, ClinGen allele CA8429951.

ClinVar aggregate classification (germline): Uncertain significance (1 of 4 stars; one submission).

Allele frequency attached by ClinVar (database versions not stated): gnomAD exomes below 0.00001; ExAC 0.00001; TOPMed 0.00001.

Submission:

Labcorp Genetics (formerly Invitae), Labcorp
Classification: Uncertain significance. Last evaluated: 2022-02-14. Review status: criteria provided, single submitter. Criteria: Invitae Variant Classification Sherloc (09022015). Collection method: clinical testing. Allele origin: germline.
Comment: In summary, the available evidence is currently insufficient to determine the role of this variant in disease. Therefore, it has been classified as a Variant of Uncertain Significance. Variants that disrupt the consensus splice site are a relatively common cause of aberrant splicing (PMID: 17576681, 9536098). Experimental studies and prediction algorithms are not available or were not evaluated, and the effect of this variant on mRNA splicing is currently unknown. This variant has not been reported in the literature in individuals affected with TOP3A-related conditions. This variant is present in population databases (rs760309028, gnomAD 0.0009%). This sequence change falls in intron 11 of the TOP3A gene. It does not directly change the encoded amino acid sequence of the TOP3A protein. It affects a nucleotide within the consensus splice site.

Literature cited by the submitters: PubMed 17576681; PubMed 9536098.